The following is an entry in ClinVar:

NM_001370466.1(NOD2):c.850C>T (p.Arg284Trp)

Gene: NOD2 (nucleotide binding oligomerization domain containing 2; plus strand). Cytogenetic location: 16q12.1.
Variant type: single nucleotide variant.
Coding change: c.850C>T on transcript NM_001370466.1 (MANE Select); coding-DNA position 850, C replaced by T.
Protein change: p.Arg284Trp; replaces arginine 284 with tryptophan.
Molecular consequence: missense variant. On other transcripts: non-coding transcript variant (1).
Genome position (GRCh38, 1-based): chr16:50,710,842, C>T. VCF-style: chr16-50710842-C-T. GRCh37 (hg19) VCF-style: chr16-50744753-C-T.
Other names: c.931C>T (LRG_177t1); c.850C>T, p.Arg284Trp (NM_001293557.2); c.931C>T, p.Arg311Trp (NM_022162.3); short protein forms R311W, R284W.
Identifiers: ClinVar variation 97885 (VCV000097885.58), dbSNP rs104895427, ClinGen allele CA150354.
Genomic context (GRCh38, chr16:50,710,842, plus strand): 5'-GATGCGGACACTGTGCTGGTGGTGGGTGAGGCGGGCAGTGGCAAGAGCACGCTCCTGCAG[C>T]GGCTGCACTTGCTGTGGGCTGCAGGGCAAGACTTCCAGGAATTTCTCTTTGTCTTCCCAT-3'
Protein context (NP_001357395.1, residues 274-294): AGSGKSTLLQ[Arg284Trp]LHLLWAAGQD

ClinVar aggregate classification (germline): Conflicting classifications of pathogenicity. Review status: criteria provided, conflicting classifications (1 of 4 stars). 9 submissions from 8 submitters: Uncertain significance (3); Likely benign (4). 2 of the submissions do not count toward it. Last evaluated 2026-08-01.

Conditions:
NOD2-related disorder. Also called: NOD2-related condition.
Blau syndrome (BLAUS). Also called: ARTHROCUTANEOUVEAL GRANULOMATOSIS; GRANULOMATOSIS, FAMILIAL JUVENILE SYSTEMIC; GRANULOMATOSIS, FAMILIAL, BLAU TYPE; GRANULOMATOUS INFLAMMATORY ARTHRITIS, DERMATITIS, AND UVEITIS, FAMILIAL; JABS SYNDROME. Identifiers: Orphanet 90340, MedGen C5201146, MONDO:0008523, OMIM 186580.
Regional enteritis. Also called: Enteritis, Granulomatous. Identifiers: MedGen C0678202, MeSH D003424.
Inflammatory bowel disease 1 (IBD1). Also called: Inflammatory bowel disease 1, Crohn disease; INFLAMMATORY BOWEL DISEASE (CROHN DISEASE) 1. Identifiers: MedGen CN260071, MONDO:0009960, OMIM 266600.
Yao syndrome. Also called: Susceptibility to Yao syndrome. Identifiers: MedGen C4310620, MONDO:0015019, OMIM 617321.

Allele frequency attached by ClinVar (database versions not stated): ExAC 0.00051; gnomAD 0.00051 and 0.00054; gnomAD exomes 0.00059; TOPMed 0.00059; ESP Exome Variant Server 0.00077; 1000 Genomes Project 30x 0.00078; 1000 Genomes Project 0.00080.
gnomAD v4.1: 1,067 of 1,614,058 alleles (0.066%); highest among the groups gnomAD compares: East Asian, 0.52%; 6 homozygotes.

Submissions (9):

CeGaT Center for Human Genetics Tuebingen
Classification: Likely benign. Last evaluated: 2026-08-01. Review status: criteria provided, single submitter. Criteria: CeGaT Center For Human Genetics Tuebingen Variant Classification Criteria Version 2. Collection method: clinical testing. Allele origin: germline. Affected: yes. Observed: 5 variant alleles.
Comment: NOD2: BS1

Labcorp Genetics (formerly Invitae), Labcorp
Classification: Likely benign for Regional enteritis; Blau syndrome. Last evaluated: 2026-01-22. Review status: criteria provided, single submitter. Criteria: Invitae Variant Classification Sherloc (09022015). Collection method: clinical testing. Allele origin: germline.

Illumina Laboratory Services, Illumina
Classification: Likely benign for Blau syndrome. Last evaluated: 2017-04-27. Review status: criteria provided, single submitter. Criteria: ICSL Variant Classification Criteria 13 December 2019. Collection method: clinical testing. Allele origin: germline.
Comment: This variant was observed as part of a predisposition screen in an ostensibly healthy population. A literature search was performed for the gene, cDNA change, and amino acid change (where applicable). No publications were found based on this search. Allele frequency data from public databases allowed determination this variant is unlikely to cause disease. Therefore, this variant is classified as likely benign.

Illumina Laboratory Services, Illumina
Classification: Likely benign for Inflammatory bowel disease 1. Last evaluated: 2017-04-27. Review status: criteria provided, single submitter. Criteria: ICSL Variant Classification Criteria 13 December 2019. Collection method: clinical testing. Allele origin: germline.
Comment: This variant was observed as part of a predisposition screen in an ostensibly healthy population. A literature search was performed for the gene, cDNA change, and amino acid change (where applicable). Publications were found based on this search. The evidence from the literature, in combination with allele frequency data from public databases where available, was sufficient to determine this variant is unlikely to cause disease. Therefore, this variant is classified as likely benign.

Eurofins Ntd Llc (ga)
Classification: Uncertain significance. Last evaluated: 2014-10-27. Review status: criteria provided, single submitter. Criteria: EGL Classification Definitions 2015. Collection method: clinical testing. Allele origin: germline. Observed: 1 variant allele, 1 heterozygote.

Baylor-Hopkins Center for Mendelian Genomics, Johns Hopkins University School of Medicine
Classification: Uncertain significance for Inflammatory bowel disease 1. Review status: criteria provided, single submitter. Criteria: ACMG Guidelines, 2015. Collection method: research. Allele origin: germline. Affected: yes. Observed: 1 variant allele, 1 heterozygote.

Center for Genomics, Ann and Robert H. Lurie Children's Hospital of Chicago
Classification: Uncertain significance for Blau syndrome; Yao syndrome; Inflammatory bowel disease 1. Review status: criteria provided, single submitter. Criteria: ACMG Guidelines, 2015. Collection method: clinical testing. Allele origin: germline.
Comment: NOD2 NM_022162.2 exon 4 p.Arg311Trp (c.931C>T):This variant has been reported in the literature in at least 3 individuals with autoimmune related disease (e.g. Crohn's disease, ulcerative colitis, Behcet's disease), with most authors suggesting this variant may act as a risk allele (Lesage 2002 PMID:11875755, Rivas 2011 PMID:21983784, Burillo-Sanz 2017 PMID:28814775). This variant is present in 0.1% (30/18870) of East Asian alleles in the Genome Aggregation Database. This variant is present in ClinVar (Variation ID:97885). Evolutionary conservation and computational predictive tools for this variant are unclear. In summary, data on this variant is insufficient for disease classification. Therefore, the clinical significance of this variant is uncertain.

PreventionGenetics, part of Exact Sciences
Classification: Uncertain significance for NOD2-related condition. Last evaluated: 2024-09-09. Review status: no assertion criteria provided. Collection method: clinical testing. Allele origin: germline. Not counted in ClinVar's aggregate classification.
Comment: The NOD2 c.931C>T variant is predicted to result in the amino acid substitution p.Arg311Trp. This variant has been identified in patients with Cohn’s disease and ulcerative colitis (Lesage et al. 2002. PubMed ID: 11875755; Rivas et al. 2011. PubMed ID: 21983784). Additional functional studies that analyzed basal activity and the ability to respond to PGN determined the p.Arg311Trp variant was indistinguishable from wildtype samples (Chamaillard et al. 2003. PubMed ID: 12626759). In addition, this variant has also been identified in patients with aggressive periodontitis and Behcet’s disease (Burillo-Sanz et al. 2017. PubMed ID: 28814775; Sudo et al. 2017. PubMed ID: 28682159). This variant is reported in 0.16% of alleles in individuals of East Asian descent in gnomAD and is reported in the homozygous state in one individual of Latino descent, which may be too common to be causative of disease. This variant has conflicting interpretations regarding its pathogenicity in ClinVar, ranging from likely benign to uncertain. At this time, the clinical significance of this variant is uncertain due to the absence of conclusive functional and genetic evidence.

Unité médicale des maladies autoinflammatoires, CHRU Montpellier
No classification provided. Condition: Sarcoidosis, early-onset. Review status: no classification provided. Collection method: not provided. Allele origin: unknown. Not counted in ClinVar's aggregate classification.
Comment: also involved in OMIM 186580 and 266600

Literature cited by the submitters: PubMed 16485124 (cited by Illumina Laboratory Services, Illumina); PubMed 12626759 (cited by Illumina Laboratory Services, Illumina); PubMed 21983784 (cited by Illumina Laboratory Services, Illumina and Eurofins Ntd Llc (ga)); PubMed 11875755 (cited by Illumina Laboratory Services, Illumina and Eurofins Ntd Llc (ga)).